The following is an entry in ClinVar:

ClinVar aggregate classification (germline): Uncertain significance. Review status: criteria provided, multiple submitters, no conflicts (2 of 4 stars). 3 submissions from 3 submitters: Uncertain significance (3). Last evaluated 2024-04-26.

Allele frequency attached by ClinVar (database versions not stated): gnomAD 0.00001; gnomAD exomes 0.00001 and 0.00002; TOPMed 0.00001; ExAC 0.00002.
gnomAD v4.1: 8 of 1,613,292 alleles (0.0005%); highest among the groups gnomAD compares: African/African-American, 0.0013%; no homozygotes.

Submissions (3):

Blueprint Genetics
Classification: Uncertain significance. Last evaluated: 2024-04-26. Review status: criteria provided, single submitter. Criteria: ACMG Guidelines, 2015. Collection method: clinical testing. Allele origin: germline.

Labcorp Genetics (formerly Invitae), Labcorp
Classification: Uncertain significance. Last evaluated: 2022-08-14. Review status: criteria provided, single submitter. Criteria: Invitae Variant Classification Sherloc (09022015). Collection method: clinical testing. Allele origin: germline.
Comment: This sequence change replaces tyrosine, which is neutral and polar, with histidine, which is basic and polar, at codon 569 of the LIG1 protein (p.Tyr569His). This variant is present in population databases (rs757832957, gnomAD 0.003%). This variant has not been reported in the literature in individuals affected with LIG1-related conditions. ClinVar contains an entry for this variant (Variation ID: 1309636). Algorithms developed to predict the effect of missense changes on protein structure and function (SIFT, PolyPhen-2, Align-GVGD) all suggest that this variant is likely to be disruptive. In summary, the available evidence is currently insufficient to determine the role of this variant in disease. Therefore, it has been classified as a Variant of Uncertain Significance.

GeneDx
Classification: Uncertain significance. Last evaluated: 2019-11-02. Review status: criteria provided, single submitter. Criteria: GeneDx Variant Classification Process June 2021. Collection method: clinical testing. Allele origin: germline. Affected: yes.
Comment: Not observed at a significant frequency in large population cohorts (Lek et al., 2016); In silico analysis, which includes protein predictors and evolutionary conservation, supports a deleterious effect; Has not been previously published as pathogenic or benign to our knowledge

NM_000234.3(LIG1):c.1705T>C (p.Tyr569His)

Gene: LIG1 (DNA ligase 1; minus strand). Cytogenetic location: 19q13.33.
Variant type: single nucleotide variant.
Coding change: c.1705T>C on transcript NM_000234.3 (MANE Select); coding-DNA position 1705, T replaced by C.
Protein change: p.Tyr569His; replaces tyrosine 569 with histidine.
Molecular consequence: missense variant. On other transcripts: non-coding transcript variant (6).
Genome position (GRCh38, 1-based): chr19:48,133,002, A>G on the plus strand (T>C on the coding strand, the complement: LIG1 is on the minus strand). VCF-style: chr19-48133002-A-G. GRCh37 (hg19) VCF-style: chr19-48636259-A-G.
Other names: c.1612T>C, p.Tyr538His (NM_001289063.2); c.1501T>C, p.Tyr501His (NM_001289064.2); c.1702T>C, p.Tyr568His (NM_001320970.2); c.1615T>C, p.Tyr539His (NM_001320971.2); short protein forms Y501H, Y538H, Y539H, Y568H, Y569H.
Identifiers: ClinVar variation 1309636 (VCV001309636.4), dbSNP rs757832957, ClinGen allele CA9546745.